The following is an entry in ClinVar:

ClinVar aggregate classification (germline): Uncertain significance. Review status: criteria provided, multiple submitters, no conflicts (2 of 4 stars). 2 submissions from 2 submitters: Uncertain significance (2). Last evaluated 2022-09-14.

Conditions:
Pheochromocytoma. Also called: MAX-Related Hereditary Paraganglioma-Pheochromocytoma Syndrome. Identifiers: Orphanet 29072, MedGen C0031511, MONDO:0008233, OMIM 171300, HP:0002666.
Pheochromocytoma/paraganglioma syndrome 4. Also called: CAROTID BODY TUMORS AND MULTIPLE EXTRAADRENAL PHEOCHROMOCYTOMAS; PARAGANGLIOMA, FAMILIAL MALIGNANT; PARAGANGLIOMAS, HEREDITARY EXTRAADRENAL; PHEOCHROMOCYTOMA, FAMILIAL EXTRAADRENAL; Paragangliomas 4; SDHB-Related Hereditary Paraganglioma-Pheochromocytoma Syndrome (Paragangliomas 4). Identifiers: Orphanet 29072, MedGen C1861848, MONDO:0007273, OMIM 115310.
Gastrointestinal stromal tumor. Also called: Gastrointestinal stromal tumor, somatic; Gastrointestinal stroma tumor. Identifiers: Orphanet 44890, MedGen C0238198, MeSH D046152, MONDO:0011719, OMIM 606764, HP:0100723.
Hereditary cancer-predisposing syndrome. Also called: Neoplastic Syndromes, Hereditary; Tumor predisposition; Hereditary Cancer Syndrome; Hereditary neoplastic syndrome. Identifiers: Orphanet 140162, MedGen C0027672, MeSH D009386, MONDO:0015356.

Submissions (2):

Labcorp Genetics (formerly Invitae), Labcorp
Classification: Uncertain significance for Gastrointestinal stromal tumor; Pheochromocytoma/paraganglioma syndrome 4; Pheochromocytoma. Last evaluated: 2022-09-14. Review status: criteria provided, single submitter. Criteria: Invitae Variant Classification Sherloc (09022015). Collection method: clinical testing. Allele origin: germline.
Comment: In summary, the available evidence is currently insufficient to determine the role of this variant in disease. Therefore, it has been classified as a Variant of Uncertain Significance. Advanced modeling of protein sequence and biophysical properties (such as structural, functional, and spatial information, amino acid conservation, physicochemical variation, residue mobility, and thermodynamic stability) performed at Invitae indicates that this missense variant is not expected to disrupt SDHB protein function. This variant has not been reported in the literature in individuals affected with SDHB-related conditions. This variant is not present in population databases (gnomAD no frequency). This sequence change replaces glutamic acid, which is acidic and polar, with alanine, which is neutral and non-polar, at codon 228 of the SDHB protein (p.Glu228Ala).

Ambry Genetics
Classification: Uncertain significance for Hereditary cancer-predisposing syndrome. Last evaluated: 2022-08-18. Review status: criteria provided, single submitter. Criteria: Ambry Variant Classification Scheme 2023. Collection method: clinical testing. Allele origin: germline.
Comment: The p.E228A variant (also known as c.683A>C), located in coding exon 7 of the SDHB gene, results from an A to C substitution at nucleotide position 683. The glutamic acid at codon 228 is replaced by alanine, an amino acid with dissimilar properties. This amino acid position is conserved. In addition, the in silico prediction for this alteration is inconclusive. Since supporting evidence is limited at this time, the clinical significance of this alteration remains unclear.

NM_003000.3(SDHB):c.683A>C (p.Glu228Ala)

Gene: SDHB (succinate dehydrogenase complex iron sulfur subunit B; minus strand). Cytogenetic location: 1p36.13.
Variant type: single nucleotide variant.
Coding change: c.683A>C on transcript NM_003000.3 (MANE Select); coding-DNA position 683, A replaced by C.
Protein change: p.Glu228Ala; replaces glutamic acid 228 with alanine.
Molecular consequence: missense variant.
Genome position (GRCh38, 1-based): chr1:17,022,690, T>G on the plus strand (A>C on the coding strand, the complement: SDHB is on the minus strand). VCF-style: chr1-17022690-T-G. GRCh37 (hg19) VCF-style: chr1-17349185-T-G.
Other names: c.629A>C, p.Glu210Ala (NM_001407361.1); short protein forms E210A, E228A.
Identifiers: ClinVar variation 1755720 (VCV001755720.7), dbSNP rs2525004205, ClinGen allele CA338270367.